The following is an entry in ClinVar:

ClinVar aggregate classification (germline): Uncertain significance. Review status: criteria provided, multiple submitters, no conflicts (2 of 4 stars). 3 submissions from 3 submitters: Uncertain significance (3). Last evaluated 2022-03-16.

Conditions:
Hereditary nonpolyposis colorectal neoplasms. Identifiers: MedGen C0009405, MeSH D003123.
Hereditary cancer-predisposing syndrome. Also called: Neoplastic Syndromes, Hereditary; Tumor predisposition; Hereditary Cancer Syndrome; Hereditary neoplastic syndrome. Identifiers: Orphanet 140162, MedGen C0027672, MeSH D009386, MONDO:0015356.

Submissions (3):

GeneDx
Classification: Uncertain significance. Last evaluated: 2022-03-16. Review status: criteria provided, single submitter. Criteria: GeneDx Variant Classification Process June 2021. Collection method: clinical testing. Allele origin: germline. Affected: yes.
Comment: Not observed at significant frequency in large population cohorts (gnomAD); In silico analysis supports that this missense variant does not alter protein structure/function; Has not been previously published as pathogenic or benign to our knowledge

Labcorp Genetics (formerly Invitae), Labcorp
Classification: Uncertain significance for Hereditary nonpolyposis colorectal neoplasms. Last evaluated: 2021-11-08. Review status: criteria provided, single submitter. Criteria: Invitae Variant Classification Sherloc (09022015). Collection method: clinical testing. Allele origin: germline.
Comment: This variant has not been reported in the literature in individuals affected with PMS2-related conditions. This sequence change replaces arginine, which is basic and polar, with glycine, which is neutral and non-polar, at codon 419 of the PMS2 protein (p.Arg419Gly). This variant is not present in population databases (gnomAD no frequency). ClinVar contains an entry for this variant (Variation ID: 525621). Advanced modeling of protein sequence and biophysical properties (such as structural, functional, and spatial information, amino acid conservation, physicochemical variation, residue mobility, and thermodynamic stability) performed at Invitae indicates that this missense variant is not expected to disrupt PMS2 protein function. In summary, the available evidence is currently insufficient to determine the role of this variant in disease. Therefore, it has been classified as a Variant of Uncertain Significance.

Color Diagnostics, LLC DBA Color Health
Classification: Uncertain significance for Hereditary cancer-predisposing syndrome. Last evaluated: 2018-11-06. Review status: criteria provided, single submitter. Criteria: ACMG Guidelines, 2015. Collection method: clinical testing. Allele origin: germline.

NM_000535.7(PMS2):c.1255A>G (p.Arg419Gly)

Gene: PMS2 (PMS1 homolog 2, mismatch repair system component; minus strand). Cytogenetic location: 7p22.1.
Variant type: single nucleotide variant.
Coding change: c.1255A>G on transcript NM_000535.7 (MANE Select); coding-DNA position 1255, A replaced by G.
Protein change: p.Arg419Gly; replaces arginine 419 with glycine.
Molecular consequence: missense variant. On other transcripts: non-coding transcript variant (1).
Genome position (GRCh38, 1-based): chr7:5,987,510, T>C on the plus strand (A>G on the coding strand, the complement: PMS2 is on the minus strand). VCF-style: chr7-5987510-T-C. GRCh37 (hg19) VCF-style: chr7-6027141-T-C.
Other names: c.850A>G, p.Arg284Gly (NM_001322003.2, NM_001322004.2, NM_001322005.2 and 1 more transcripts); c.1099A>G, p.Arg367Gly (NM_001322006.2); c.937A>G, p.Arg313Gly (NM_001322007.2, NM_001322008.2); c.694A>G, p.Arg232Gly (NM_001322010.2); c.322A>G, p.Arg108Gly (NM_001322011.2, NM_001322012.2); c.682A>G, p.Arg228Gly (NM_001322013.2); c.1255A>G, p.Arg419Gly (NM_001322014.2); c.946A>G, p.Arg316Gly (NM_001322015.2); short protein forms R419G, R108G, R228G, R316G, R367G, R232G, R284G, R313G.
Identifiers: ClinVar variation 525621 (VCV000525621.12), dbSNP rs1554297975, ClinGen allele CA366742471.